The following is an entry in ClinVar:

ClinVar aggregate classification (germline): Benign/Likely benign. Review status: criteria provided, multiple submitters, no conflicts (2 of 4 stars). 3 submissions from 3 submitters: Benign (1); Likely benign (2). Last evaluated 2026-06-29.

Conditions:
Sessile serrated polyposis cancer syndrome (SSPCS). Identifiers: Orphanet 157798, MedGen C4310714, MONDO:0014919, OMIM 617108.

Allele frequency attached by ClinVar (database versions not stated): gnomAD 0.00002; TOPMed 0.00002.
gnomAD v4.1: 22 of 1,613,826 alleles (0.0014%); highest among the groups gnomAD compares: African/African-American, 0.0027%; no homozygotes.

Submissions (3):

Myriad Genetics, Inc.
Classification: Benign for Sessile serrated polyposis cancer syndrome. Last evaluated: 2026-06-29. Review status: criteria provided, single submitter. Criteria: Myriad Autosomal Dominant, Autosomal Recessive and X-Linked Classification Criteria (2023). Collection method: clinical testing. Allele origin: unknown.
Comment: This variant is considered benign. This variant is a silent/synonymous amino acid change and it is not expected to impact splicing.

Ambry Genetics
Classification: Likely benign. Last evaluated: 2024-10-04. Review status: criteria provided, single submitter. Criteria: Ambry Variant Classification Scheme 2023. Collection method: clinical testing. Allele origin: germline.

Labcorp Genetics (formerly Invitae), Labcorp
Classification: Likely benign. Last evaluated: 2024-01-05. Review status: criteria provided, single submitter. Criteria: Invitae Variant Classification Sherloc (09022015). Collection method: clinical testing. Allele origin: germline.

NM_017763.6(RNF43):c.105G>A (p.Ala35=)

Gene: RNF43 (ring finger protein 43; minus strand). Cytogenetic location: 17q22.
Variant type: single nucleotide variant.
Coding change: c.105G>A on transcript NM_017763.6 (MANE Select); coding-DNA position 105, G replaced by A.
Protein change: p.Ala35=; no amino-acid change (alanine 35 retained).
Molecular consequence: synonymous variant.
Genome position (GRCh38, 1-based): chr17:58,415,473, C>T on the plus strand (G>A on the coding strand, the complement: RNF43 is on the minus strand). VCF-style: chr17-58415473-C-T. GRCh37 (hg19) VCF-style: chr17-56492834-C-T.
Other names: c.105G>A, p.Ala35= (NM_001305544.3).
Identifiers: ClinVar variation 1105394 (VCV001105394.11), dbSNP rs749390535, ClinGen allele CA8673509.